The following is an entry in ClinVar:

ClinVar aggregate classification (germline): Conflicting classifications of pathogenicity. Review status: criteria provided, conflicting classifications (1 of 4 stars). 2 submissions from 2 submitters: Uncertain significance (1); Likely benign (1). Last evaluated 2023-11-16.

Conditions:
Hereditary cancer-predisposing syndrome. Also called: Hereditary neoplastic syndrome; Neoplastic Syndromes, Hereditary; Tumor predisposition; Hereditary Cancer Syndrome. Identifiers: Orphanet 140162, MedGen C0027672, MeSH D009386, MONDO:0015356.
Hereditary breast ovarian cancer syndrome. Also called: Hereditary breast and/or ovarian cancer syndrome; Hereditary breast and ovarian cancer syndrome; Hereditary breast and ovarian cancer syndrome (HBOC); Breast and ovarian cancer; BRCA1- and BRCA2-Associated Hereditary Breast and Ovarian Cancer; Hereditary breast and ovarian cancer. Identifiers: Orphanet 145, MedGen C0677776, MeSH D061325, MONDO:0003582. Disease mechanism: loss of function.

Submissions (2):

Labcorp Genetics (formerly Invitae), Labcorp
Classification: Uncertain significance for Hereditary breast ovarian cancer syndrome. Last evaluated: 2023-11-16. Review status: criteria provided, single submitter. Criteria: Invitae Variant Classification Sherloc (09022015). Collection method: clinical testing. Allele origin: germline.
Comment: This sequence change replaces aspartic acid, which is acidic and polar, with glycine, which is neutral and non-polar, at codon 1269 of the BRCA1 protein (p.Asp1269Gly). This variant is not present in population databases (gnomAD no frequency). This variant has not been reported in the literature in individuals affected with BRCA1-related conditions. ClinVar contains an entry for this variant (Variation ID: 947706). Advanced modeling of protein sequence and biophysical properties (such as structural, functional, and spatial information, amino acid conservation, physicochemical variation, residue mobility, and thermodynamic stability) performed at Invitae indicates that this missense variant is not expected to disrupt BRCA1 protein function with a negative predictive value of 95%. In summary, the available evidence is currently insufficient to determine the role of this variant in disease. Therefore, it has been classified as a Variant of Uncertain Significance.

University of Washington Department of Laboratory Medicine, University of Washington
Classification: Likely benign for Hereditary cancer-predisposing syndrome. Last evaluated: 2023-03-23. Review status: criteria provided, single submitter. Criteria: Dines et al. (Genet Med. 2020). Collection method: curation. Allele origin: germline.
Comment: Missense variant in a coldspot region where missense variants are very unlikely to be pathogenic (PMID:31911673).

BRCA1 coldspot (exon 11 using historical exon numbering). Reclassification based on statistical prior probability

NM_007294.4(BRCA1):c.3806A>G (p.Asp1269Gly)

Genes: BRCA1 (BRCA1 DNA repair associated; minus strand), LOC126862571 (BRD4-independent group 4 enhancer GRCh37_chr17:41243136-41244335; plus strand). Cytogenetic location: 17q21.31.
Variant type: single nucleotide variant.
Coding change: c.3806A>G on transcript NM_007294.4 (MANE Select); coding-DNA position 3806, A replaced by G.
Protein change: p.Asp1269Gly; replaces aspartic acid 1269 with glycine.
Molecular consequence: missense variant. On other transcripts: intron variant (135).
Genome position (GRCh38, 1-based): chr17:43,091,725, T>C on the plus strand (A>G on the coding strand, the complement: BRCA1 is on the minus strand). VCF-style: chr17-43091725-T-C. GRCh37 (hg19) VCF-style: chr17-41243742-T-C.
Other names: c.3593A>G, p.Asp1198Gly (NM_001407571.1, NM_001407853.1, NM_001407894.1 and 9 more transcripts); c.3806A>G, p.Asp1269Gly (NM_001407581.1, NM_001407582.1, NM_001407583.1 and 30 more transcripts); c.3803A>G, p.Asp1268Gly (NM_001407587.1, NM_001407590.1, NM_001407591.1 and 22 more transcripts); c.3797A>G, p.Asp1266Gly (NM_001407646.1, NM_001407647.1); c.3683A>G, p.Asp1228Gly (NM_001407648.1, NM_001407664.1, NM_001407665.1 and 19 more transcripts); c.3680A>G, p.Asp1227Gly (NM_001407649.1, NM_001407670.1, NM_001407671.1 and 11 more transcripts); c.3728A>G, p.Asp1243Gly (NM_001407653.1, NM_001407654.1, NM_001407655.1 and 4 more transcripts); c.3725A>G, p.Asp1242Gly (NM_001407659.1, NM_001407660.1, NM_001407661.1 and 1 more transcripts); and 41 more; short protein forms D1269G, D1222G, D1227G, D1228G, D1243G, D401G, D1141G, D1198G.
Identifiers: ClinVar variation 947706 (VCV000947706.13), dbSNP rs2053520234, ClinGen allele CA10594357.